The following is an entry in ClinVar:

ClinVar aggregate classification (germline): Uncertain significance (1 of 4 stars; one submission).

Conditions:
Alzheimer disease. Also called: Alzheimer's disease; Presenile and senile dementia. Identifiers: Orphanet 1020, MedGen C0002395, MeSH D000544, MONDO:0004975, HP:0002511.

Submission:

Labcorp Genetics (formerly Invitae), Labcorp
Classification: Uncertain significance for Alzheimer disease. Last evaluated: 2022-07-05. Review status: criteria provided, single submitter. Criteria: Invitae Variant Classification Sherloc (09022015). Collection method: clinical testing. Allele origin: germline.
Comment: This sequence change replaces glycine, which is neutral and non-polar, with aspartic acid, which is acidic and polar, at codon 756 of the APP protein (p.Gly756Asp). ClinVar contains an entry for this variant (Variation ID: 1480877). This variant has not been reported in the literature in individuals affected with APP-related conditions. This variant is not present in population databases (gnomAD no frequency). In summary, the available evidence is currently insufficient to determine the role of this variant in disease. Therefore, it has been classified as a Variant of Uncertain Significance. Algorithms developed to predict the effect of missense changes on protein structure and function are either unavailable or do not agree on the potential impact of this missense change (SIFT: "Deleterious"; PolyPhen-2: "Probably Damaging"; Align-GVGD: "Class C0").

NM_000484.4(APP):c.2267G>A (p.Gly756Asp)

Gene: APP (amyloid beta precursor protein; minus strand). Cytogenetic location: 21q21.3.
Variant type: single nucleotide variant.
Coding change: c.2267G>A on transcript NM_000484.4 (MANE Select); coding-DNA position 2267, G replaced by A.
Protein change: p.Gly756Asp; replaces glycine 756 with aspartic acid.
Molecular consequence: missense variant.
Genome position (GRCh38, 1-based): chr21:25,881,716, C>T on the plus strand (G>A on the coding strand, the complement: APP is on the minus strand). VCF-style: chr21-25881716-C-T. GRCh37 (hg19) VCF-style: chr21-27254027-C-T.
Other names: c.2195G>A, p.Gly732Asp (NM_001136016.3); c.1874G>A, p.Gly625Asp (NM_001136129.3); c.2099G>A, p.Gly700Asp (NM_001136130.3, NM_001385253.1); c.1937G>A, p.Gly646Asp (NM_001136131.3); c.2213G>A, p.Gly738Asp (NM_001204301.2); c.2156G>A, p.Gly719Asp (NM_001204302.2); c.1988G>A, p.Gly663Asp (NM_001204303.2); c.2210G>A, p.Gly737Asp (NM_201413.3); and 1 more; short protein forms G646D, G663D, G700D, G732D, G737D, G625D, G681D, G756D.
Identifiers: ClinVar variation 1480877 (VCV001480877.8), dbSNP rs2146193044, ClinGen allele CA409863621.